The following is an entry in ClinVar:

ClinVar aggregate classification (germline): Uncertain significance. Review status: criteria provided, single submitter (1 of 4 stars). 2 submissions from 2 submitters: Uncertain significance (1). 1 of the submissions does not count toward it. Last evaluated 2018-12-08.

Conditions:
Glycine encephalopathy. Also called: Non-ketotic hyperglycinemia; Nonketotic hyperglycinemia. Identifiers: Orphanet 407, MedGen C0751748, MONDO:0011612, HP:0008288.
Developmental and epileptic encephalopathy, 9 (DEE9). Also called: Early infantile epileptic encephalopathy 9; EPILEPSY, FEMALE-RESTRICTED, WITH MENTAL RETARDATION; JUBERG-HELLMAN SYNDROME; PCDH19-Related X-Linked Female-Limited Epilepsy with Mental Retardation. Identifiers: Orphanet 101039, Orphanet 2076, MedGen C1848137, MONDO:0010246, OMIM 300088. Disease mechanism: loss of function.

Submissions (2):

Labcorp Genetics (formerly Invitae), Labcorp
Classification: Uncertain significance for Developmental and epileptic encephalopathy, 9. Last evaluated: 2018-12-08. Review status: criteria provided, single submitter. Criteria: Invitae Variant Classification Sherloc (09022015). Collection method: clinical testing. Allele origin: germline.
Comment: In summary, the available evidence is currently insufficient to determine the role of this variant in disease. Therefore, it has been classified as a Variant of Uncertain Significance. Algorithms developed to predict the effect of missense changes on protein structure and function (SIFT, PolyPhen-2, Align-GVGD) all suggest that this variant is likely to be disruptive, but these predictions have not been confirmed by published functional studies and their clinical significance is uncertain. This variant has not been reported in the literature in individuals with PCDH19-related conditions. This variant is not present in population databases (ExAC no frequency). This sequence change replaces glutamic acid with lysine at codon 267 of the PCDH19 protein (p.Glu267Lys). The glutamic acid residue is highly conserved and there is a small physicochemical difference between glutamic acid and lysine.

Neurogenetics Research Program, University of Adelaide
Classification: Likely pathogenic for Developmental and epileptic encephalopathy, 9; Glycine encephalopathy 1. Last evaluated: 2019-12-20. Review status: no assertion criteria provided. Collection method: research. Allele origin: maternal, paternal. Affected: yes. Not counted in ClinVar's aggregate classification.

NM_001184880.2(PCDH19):c.799G>A (p.Glu267Lys)

Gene: PCDH19 (protocadherin 19; minus strand). Cytogenetic location: Xq22.1.
Variant type: single nucleotide variant.
Coding change: c.799G>A on transcript NM_001184880.2 (MANE Select); coding-DNA position 799, G replaced by A.
Protein change: p.Glu267Lys; replaces glutamic acid 267 with lysine.
Molecular consequence: missense variant.
Genome position (GRCh38, 1-based): chrX:100,407,799, C>T on the plus strand (G>A on the coding strand, the complement: PCDH19 is on the minus strand). VCF-style: chrX-100407799-C-T. GRCh37 (hg19) VCF-style: chrX-99662797-C-T.
Other names: c.799G>A, p.Glu267Lys (NM_001105243.2, NM_020766.3); short protein forms E267K.
Identifiers: ClinVar variation 663581 (VCV000663581.12), dbSNP rs1057524751, ClinGen allele CA414008058.